The following is an entry in ClinVar:

NM_001005361.3(DNM2):c.700G>C (p.Val234Leu)

Gene: DNM2 (dynamin 2; plus strand). Cytogenetic location: 19p13.2.
Variant type: single nucleotide variant.
Coding change: c.700G>C on transcript NM_001005361.3 (MANE Select); coding-DNA position 700, G replaced by C.
Protein change: p.Val234Leu; replaces valine 234 with leucine.
Molecular consequence: missense variant.
Genome position (GRCh38, 1-based): chr19:10,782,971, G>C. VCF-style: chr19-10782971-G-C. GRCh37 (hg19) VCF-style: chr19-10893647-G-C.
Other names: c.700G>C, p.Val234Leu (NM_001005360.3, NM_001005362.3, NM_001190716.2 and 1 more transcripts); short protein forms V234L.
Identifiers: ClinVar variation 465293 (VCV000465293.13), dbSNP rs377159042, ClinGen allele CA305274005.

ClinVar aggregate classification (germline): Uncertain significance. Review status: criteria provided, multiple submitters, no conflicts (2 of 4 stars). 3 submissions from 3 submitters: Uncertain significance (3). Last evaluated 2026-02-03.

Conditions:
Inborn genetic diseases. Identifiers: MedGen C0950123, MeSH D030342.
Charcot-Marie-Tooth disease dominant intermediate B (CMTDIB). Also called: CHARCOT-MARIE-TOOTH NEUROPATHY, DOMINANT INTERMEDIATE B; Charcot-Marie-Tooth disease dominant intermediate 1; CMT DI1; Charcot-Marie-Tooth disease dominant intermediate I. Identifiers: Orphanet 100044, Orphanet 228179, MedGen C1847902, MONDO:0011674, OMIM 606482.

Allele frequency attached by ClinVar (database versions not stated): gnomAD 0.00003; TOPMed 0.00003.
gnomAD v4.1: 86 of 1,613,890 alleles (0.0053%); highest among the groups gnomAD compares: Non-Finnish European, 0.0069%; no homozygotes.

Submissions (3):

Labcorp Genetics (formerly Invitae), Labcorp
Classification: Uncertain significance for Charcot-Marie-Tooth disease dominant intermediate B. Last evaluated: 2026-02-03. Review status: criteria provided, single submitter. Criteria: Invitae Variant Classification Sherloc (09022015). Collection method: clinical testing. Allele origin: germline.
Comment: This sequence change replaces valine, which is neutral and non-polar, with leucine, which is neutral and non-polar, at codon 234 of the DNM2 protein (p.Val234Leu). This variant is present in population databases (no rsID available, gnomAD 0.002%). This missense change has been observed in individual(s) with clinical features of Charcot-Marie-Tooth disease (PMID: 26392352; internal data). ClinVar contains an entry for this variant (Variation ID: 465293). Invitae Evidence Modeling of protein sequence and biophysical properties (such as structural, functional, and spatial information, amino acid conservation, physicochemical variation, residue mobility, and thermodynamic stability) has been performed for this missense variant. However, the output from this modeling did not meet the statistical confidence thresholds required to predict the impact of this variant on DNM2 protein function. In summary, the available evidence is currently insufficient to determine the role of this variant in disease. Therefore, it has been classified as a Variant of Uncertain Significance.

Ambry Genetics
Classification: Uncertain significance for Inborn genetic diseases. Last evaluated: 2024-12-03. Review status: criteria provided, single submitter. Criteria: Ambry Variant Classification Scheme 2023. Collection method: clinical testing. Allele origin: germline.

Revvity Omics, Revvity
Classification: Uncertain significance. Last evaluated: 2024-10-31. Review status: criteria provided, single submitter. Criteria: ACMG Guidelines, 2015. Collection method: clinical testing. Allele origin: germline.

Literature cited by the submitters: PubMed 26392352 (cited by Labcorp Genetics (formerly Invitae), Labcorp).